The following is an entry in ClinVar:

ClinVar aggregate classification (germline): Pathogenic (1 of 4 stars; one submission).

Conditions:
Glutaric aciduria, type 1. Also called: Glutaric acidemia type I; Glutaricacidemia Type 1; Glutaric Acidemia Type 1; GA I; Glutaryl-CoA dehydrogenase deficiency; Glutaricaciduria, type I. Identifiers: Orphanet 25, MedGen C0268595, MONDO:0009281, OMIM 231670.

Submission:

Labcorp Genetics (formerly Invitae), Labcorp
Classification: Pathogenic for Glutaric aciduria, type 1. Last evaluated: 2023-09-19. Review status: criteria provided, single submitter. Criteria: Invitae Variant Classification Sherloc (09022015). Collection method: clinical testing. Allele origin: germline.
Comment: This sequence change creates a premature translational stop signal (p.Gln314*) in the GCDH gene. It is expected to result in an absent or disrupted protein product. Loss-of-function variants in GCDH are known to be pathogenic (PMID: 10699052, 11854167, 16602100). This variant is not present in population databases (gnomAD no frequency). This variant has not been reported in the literature in individuals affected with GCDH-related conditions. ClinVar contains an entry for this variant (Variation ID: 958737). For these reasons, this variant has been classified as Pathogenic.

Literature cited by the submitters: PubMed 10699052; PubMed 11854167; PubMed 16602100.

NM_000159.4(GCDH):c.940C>T (p.Gln314Ter)

Gene: GCDH (glutaryl-CoA dehydrogenase; plus strand). Cytogenetic location: 19p13.13.
Variant type: single nucleotide variant.
Coding change: c.940C>T on transcript NM_000159.4 (MANE Select); coding-DNA position 940, C replaced by T.
Protein change: p.Gln314Ter; replaces glutamine 314 with a stop codon.
Molecular consequence: nonsense. On other transcripts: non-coding transcript variant (2).
Genome position (GRCh38, 1-based): chr19:12,896,997, C>T. VCF-style: chr19-12896997-C-T. GRCh37 (hg19) VCF-style: chr19-13007811-C-T.
Other names: c.940C>T, p.Gln314Ter (NM_013976.5); short protein forms Q314*.
Identifiers: ClinVar variation 958737 (VCV000958737.8), dbSNP rs1970696255, ClinGen allele CA404319582.